The following is an entry in ClinVar:

ClinVar aggregate classification (germline): Benign/Likely benign. Review status: criteria provided, multiple submitters, no conflicts (2 of 4 stars). 2 submissions from 2 submitters: Benign (1); Likely benign (1). Last evaluated 2018-01-12.

Conditions:
Ceroid lipofuscinosis, neuronal, 4 (Kufs type) (CLN4). Also called: Neuronal ceroid lipofuscinosis 4B; Ceroid lipofuscinosis, neuronal, 4, Parry type. Identifiers: Orphanet 228343, Orphanet 79262, MedGen C1834207, MONDO:0008083, OMIM 162350.

Allele frequency attached by ClinVar (database versions not stated): 1000 Genomes Project 0.05132; 1000 Genomes Project 30x 0.05372; TOPMed 0.06972; gnomAD 0.08022 and 0.08304; gnomAD exomes 0.12257.
gnomAD v4.1: 12,238 of 152,802 alleles (8%); highest among the groups gnomAD compares: African/African-American, 8.7%; 598 homozygotes.

Submissions (2):

Illumina Laboratory Services, Illumina
Classification: Benign for Ceroid lipofuscinosis, neuronal, 4 (Kufs type). Last evaluated: 2018-01-12. Review status: criteria provided, single submitter. Criteria: ICSL Variant Classification Criteria 13 December 2019. Collection method: clinical testing. Allele origin: germline.
Comment: This variant was observed in the ICSL laboratory as part of a predisposition screen in an ostensibly healthy population. It had not been previously curated by ICSL or reported in the Human Gene Mutation Database (HGMD: prior to June 1st, 2018), and was therefore a candidate for classification through an automated scoring system. Utilizing variant allele frequency, disease prevalence and penetrance estimates, and inheritance mode, an automated score was calculated to assess if this variant is too frequent to cause the disease. Based on the score and internal cut-off values, a variant classified as benign is not then subjected to further curation. The score for this variant resulted in a classification of benign for this disease.

Breakthrough Genomics
Classification: Likely benign. Review status: criteria provided, single submitter. Criteria: ACMG Guidelines, 2015. Collection method: not provided. Allele origin: germline. Inheritance: Autosomal dominant inheritance. Affected: yes.

NM_025219.3(DNAJC5):c.*1648C>T

Gene: DNAJC5 (DnaJ heat shock protein family (Hsp40) member C5; plus strand). Cytogenetic location: 20q13.33.
Variant type: single nucleotide variant.
Coding change: c.*1648C>T on transcript NM_025219.3 (MANE Select); 1648 bases downstream of the stop codon, C replaced by T.
Molecular consequence: 3 prime UTR variant.
Genome position (GRCh38, 1-based): chr20:63,933,216, C>T. VCF-style: chr20-63933216-C-T. GRCh37 (hg19) VCF-style: chr20-62564569-C-T.
Identifiers: ClinVar variation 339399 (VCV000339399.7), dbSNP rs41278222, ClinGen allele CA10653403.